The following is an entry in ClinVar:

ClinVar aggregate classification (germline): Conflicting classifications of pathogenicity. Review status: criteria provided, conflicting classifications (1 of 4 stars). 4 submissions from 4 submitters: Uncertain significance (2); Benign (1). 1 of the submissions does not count toward it. Last evaluated 2025-07-22.

Conditions:
COL1A1-related disorder. Also called: COL1A1- related disease; COL1A1-related condition.
Osteogenesis imperfecta type I (OI1). Also called: Classic Non-deforming Osteogenesis Imperfecta with Blue Sclerae; OI, TYPE I; OSTEOGENESIS IMPERFECTA TARDA; OSTEOGENESIS IMPERFECTA WITH BLUE SCLERAE; Osteogenesis imperfecta type 1; Lobstein's Disease. Identifiers: Orphanet 216796, Orphanet 666, MedGen C0023931, MONDO:0008146, OMIM 166200. Disease mechanism: loss of function.

Allele frequency attached by ClinVar (database versions not stated): ESP Exome Variant Server 0.00008.
gnomAD v4.1: 33 of 1,613,882 alleles (0.002%); highest among the groups gnomAD compares: African/African-American, 0.0067%; no homozygotes.

Submissions (4):

Women's Health and Genetics/Laboratory Corporation of America, LabCorp
Classification: Uncertain significance. Last evaluated: 2025-07-22. Review status: criteria provided, single submitter. Criteria: LabCorp Variant Classification Summary - May 2015. Collection method: clinical testing. Allele origin: germline.
Comment: Variant summary: COL1A1 c.4081G>C (p.Glu1361Gln) results in a conservative amino acid change located in the C-terminal non-collagenous (aka. procollagen C-propeptide) domain (IPR000885) of the encoded protein sequence. Algorithms developed to predict the effect of missense changes on protein structure and function are either unavailable or do not agree on the potential impact of this missense change. The variant allele was found at a frequency of 2.1e-05 in 1606890 control chromosomes (gnomAD). This frequency is somewhat lower than the maximum estimated for a pathogenic variant in COL1A1 causing Osteogenesis imperfecta type I (3e-05), allowing no conclusion about variant significance. To our knowledge, no occurrence of c.4081G>C in individuals affected with Osteogenesis imperfecta type I and no experimental evidence demonstrating its impact on protein function have been reported. ClinVar contains an entry for this variant (Variation ID: 1056758). Based on the evidence outlined above, the variant was classified as uncertain significance.

Labcorp Genetics (formerly Invitae), Labcorp
Classification: Benign for Osteogenesis imperfecta type I. Last evaluated: 2025-03-23. Review status: criteria provided, single submitter. Criteria: Invitae Variant Classification Sherloc (09022015). Collection method: clinical testing. Allele origin: germline.

GeneDx
Classification: Uncertain significance. Last evaluated: 2024-05-09. Review status: criteria provided, single submitter. Criteria: GeneDx Variant Classification Process June 2021. Collection method: clinical testing. Allele origin: germline. Affected: yes.
Comment: In silico analysis indicates that this missense variant does not alter protein structure/function; In silico analysis suggests this variant may impact gene splicing. In the absence of RNA/functional studies, the actual effect of this sequence change is unknown.; Has not been previously published as pathogenic or benign to our knowledge; Not located in the triple helical region, where the majority of pathogenic missense variants occur (HGMD)

PreventionGenetics, part of Exact Sciences
Classification: Uncertain significance for COL1A1-related condition. Last evaluated: 2024-08-01. Review status: no assertion criteria provided. Collection method: clinical testing. Allele origin: germline. Not counted in ClinVar's aggregate classification.
Comment: The COL1A1 c.4081G>C variant is predicted to result in the amino acid substitution p.Glu1361Gln. To our knowledge, this variant has not been reported in the literature. This variant is reported in 0.012% of alleles in individuals of African descent in gnomAD. An alternate missense change affecting the same amino acid (p.Glu1361Lys) has been observed in the heterozygous state in an individual with osteogenesis imperfecta (Table S1, Symoens et al. 2014. PubMed ID: 25146735), and in the homozygous state in an individual with growth hormone deficiency and early onset osteoporosis, along with a homozygous variant in HESX1 gene (Alesi et al. 2021. PubMed ID: 33451138). At this time, the clinical significance of the c.4081G>C (p.Glu1361Gln) variant is uncertain due to the absence of conclusive functional and genetic evidence.

NM_000088.4(COL1A1):c.4081G>C (p.Glu1361Gln)

Gene: COL1A1 (collagen type I alpha 1 chain; minus strand). Cytogenetic location: 17q21.33.
Variant type: single nucleotide variant.
Coding change: c.4081G>C on transcript NM_000088.4 (MANE Select); coding-DNA position 4081, G replaced by C.
Protein change: p.Glu1361Gln; replaces glutamic acid 1361 with glutamine.
Molecular consequence: missense variant.
Genome position (GRCh38, 1-based): chr17:50,185,945, C>G on the plus strand (G>C on the coding strand, the complement: COL1A1 is on the minus strand). VCF-style: chr17-50185945-C-G. GRCh37 (hg19) VCF-style: chr17-48263306-C-G.
Other names: short protein forms E1361Q.
Identifiers: ClinVar variation 1056758 (VCV001056758.13), dbSNP rs141011435, ClinGen allele CA8644258.